The following is an entry in ClinVar:

NM_052947.4(ALPK2):c.2816G>A (p.Gly939Glu)

Gene: ALPK2 (alpha kinase 2; minus strand). Cytogenetic location: 18q21.31.
Variant type: single nucleotide variant.
Coding change: c.2816G>A on transcript NM_052947.4 (MANE Select); coding-DNA position 2816, G replaced by A.
Protein change: p.Gly939Glu; replaces glycine 939 with glutamic acid.
Molecular consequence: missense variant.
Genome position (GRCh38, 1-based): chr18:58,537,371, C>T on the plus strand (G>A on the coding strand, the complement: ALPK2 is on the minus strand). VCF-style: chr18-58537371-C-T. GRCh37 (hg19) VCF-style: chr18-56204603-C-T.
Other names: short protein forms G939E.
Identifiers: ClinVar variation 1796382 (VCV001796382.2), dbSNP rs1432159800, ClinGen allele CA402569715.

ClinVar aggregate classification (germline): Uncertain significance (1 of 4 stars; one submission).

Submission:

Ambry Genetics
Classification: Uncertain significance. Last evaluated: 2022-04-07. Review status: criteria provided, single submitter. Criteria: Ambry Variant Classification Scheme 2023. Collection method: clinical testing. Allele origin: germline.
Comment: The p.G939E variant (also known as c.2816G>A), located in coding exon 4 of the ALPK2 gene, results from a G to A substitution at nucleotide position 2816. The glycine at codon 939 is replaced by glutamic acid, an amino acid with similar properties. This amino acid position is conserved. In addition, this alteration is predicted to be tolerated by in silico analysis. Since supporting evidence is limited at this time, the clinical significance of this alteration remains unclear.